The following is an entry in ClinVar:

ClinVar aggregate classification (germline): Uncertain significance (1 of 4 stars; one submission).

Conditions:
DICER1-related tumor predisposition. Also called: DICER1 syndrome; DICER1-related pleuropulmonary blastoma cancer predisposition syndrome. Identifiers: Orphanet 284343, MedGen C3839822, MONDO:0100216.

Submission:

Labcorp Genetics (formerly Invitae), Labcorp
Classification: Uncertain significance for DICER1-related tumor predisposition. Last evaluated: 2024-05-11. Review status: criteria provided, single submitter. Criteria: Invitae Variant Classification Sherloc (09022015). Collection method: clinical testing. Allele origin: germline.
Comment: This sequence change replaces arginine, which is basic and polar, with serine, which is neutral and polar, at codon 587 of the DICER1 protein (p.Arg587Ser). This variant is not present in population databases (gnomAD no frequency). This variant has not been reported in the literature in individuals affected with DICER1-related conditions. Advanced modeling of protein sequence and biophysical properties (such as structural, functional, and spatial information, amino acid conservation, physicochemical variation, residue mobility, and thermodynamic stability) performed at Invitae indicates that this missense variant is not expected to disrupt DICER1 protein function with a negative predictive value of 80%. In summary, the available evidence is currently insufficient to determine the role of this variant in disease. Therefore, it has been classified as a Variant of Uncertain Significance.

NM_177438.3(DICER1):c.1761A>C (p.Arg587Ser)

Gene: DICER1 (dicer 1, ribonuclease III; minus strand). Cytogenetic location: 14q32.13.
Variant type: single nucleotide variant.
Coding change: c.1761A>C on transcript NM_177438.3 (MANE Select); coding-DNA position 1761, A replaced by C.
Protein change: p.Arg587Ser; replaces arginine 587 with serine.
Molecular consequence: missense variant. On other transcripts: non-coding transcript variant (6).
Genome position (GRCh38, 1-based): chr14:95,115,813, T>G on the plus strand (A>C on the coding strand, the complement: DICER1 is on the minus strand). VCF-style: chr14-95115813-T-G. GRCh37 (hg19) VCF-style: chr14-95582150-T-G.
Other names: c.1761A>C, p.Arg587Ser (NM_001195573.1, NM_001271282.3, NM_001291628.2 and 12 more transcripts); c.1479A>C, p.Arg493Ser (NM_001395686.1); c.1356A>C, p.Arg452Ser (NM_001395687.1, NM_001395688.1, NM_001395689.1 and 3 more transcripts); c.1194A>C, p.Arg398Ser (NM_001395691.1); c.78A>C, p.Arg26Ser (NM_001395697.1); short protein forms R398S, R452S, R587S, R26S, R493S.
Identifiers: ClinVar variation 3652298 (VCV003652298.2).